The following is an entry in ClinVar:

NM_022437.3(ABCG8):c.521G>A (p.Arg174Gln)

Gene: ABCG8 (ATP binding cassette subfamily G member 8; plus strand). Cytogenetic location: 2p21.
Variant type: single nucleotide variant.
Coding change: c.521G>A on transcript NM_022437.3 (MANE Select); coding-DNA position 521, G replaced by A.
Protein change: p.Arg174Gln; replaces arginine 174 with glutamine.
Molecular consequence: missense variant.
Genome position (GRCh38, 1-based): chr2:43,851,782, G>A. VCF-style: chr2-43851782-G-A. GRCh37 (hg19) VCF-style: chr2-44078921-G-A.
Other names: c.521G>A, p.Arg174Gln (NM_001357321.2); short protein forms R174Q.
Identifiers: ClinVar variation 3417988 (VCV003417988.1).

ClinVar aggregate classification (germline): Uncertain significance (1 of 4 stars; one submission).

Conditions:
Cardiovascular phenotype. Identifiers: MedGen CN230736.

gnomAD v4.1: 26 of 1,614,176 alleles (0.0016%); highest among the groups gnomAD compares: Middle Eastern, 0.016%; no homozygotes.

Submission:

Ambry Genetics
Classification: Uncertain significance for Cardiovascular phenotype. Last evaluated: 2024-12-05. Review status: criteria provided, single submitter. Criteria: Ambry Variant Classification Scheme 2023. Collection method: clinical testing. Allele origin: germline.
Comment: The p.R174Q variant (also known as c.521G>A), located in coding exon 4 of the ABCG8 gene, results from a G to A substitution at nucleotide position 521. The arginine at codon 174 is replaced by glutamine, an amino acid with highly similar properties. This amino acid position is conserved. In addition, this alteration is predicted to be tolerated by in silico analysis. Based on the available evidence, the clinical significance of this variant remains unclear.